The following is an entry in ClinVar:

ClinVar aggregate classification (germline): Uncertain significance (1 of 4 stars; one submission).

Submission:

Labcorp Genetics (formerly Invitae), Labcorp
Classification: Uncertain significance. Last evaluated: 2025-02-06. Review status: criteria provided, single submitter. Criteria: Invitae Variant Classification Sherloc (09022015). Collection method: clinical testing. Allele origin: germline.
Comment: This sequence change replaces proline, which is neutral and non-polar, with leucine, which is neutral and non-polar, at codon 299 of the GPR88 protein (p.Pro299Leu). This variant is not present in population databases (gnomAD no frequency). This variant has not been reported in the literature in individuals affected with GPR88-related conditions. An algorithm developed to predict the effect of missense changes on protein structure and function (PolyPhen-2) suggests that this variant is likely to be tolerated. In summary, the available evidence is currently insufficient to determine the role of this variant in disease. Therefore, it has been classified as a Variant of Uncertain Significance.

NM_022049.3(GPR88):c.896C>T (p.Pro299Leu)

Gene: GPR88 (G protein-coupled receptor 88; plus strand). Cytogenetic location: 1p21.2.
Variant type: single nucleotide variant.
Coding change: c.896C>T on transcript NM_022049.3 (MANE Select); coding-DNA position 896, C replaced by T.
Protein change: p.Pro299Leu; replaces proline 299 with leucine.
Molecular consequence: missense variant.
Genome position (GRCh38, 1-based): chr1:100,539,862, C>T. VCF-style: chr1-100539862-C-T. GRCh37 (hg19) VCF-style: chr1-101005418-C-T.
Other names: short protein forms P299L.
Identifiers: ClinVar variation 4712004 (VCV004712004.1).